The following is an entry in ClinVar:

NM_001148.6(ANK2):c.3277G>C (p.Glu1093Gln)

Gene: ANK2 (ankyrin 2; plus strand). Cytogenetic location: 4q26.
Variant type: single nucleotide variant.
Coding change: c.3277G>C on transcript NM_001148.6 (MANE Select); coding-DNA position 3277, G replaced by C.
Protein change: p.Glu1093Gln; replaces glutamic acid 1093 with glutamine.
Molecular consequence: missense variant.
Genome position (GRCh38, 1-based): chr4:113,333,106, G>C. VCF-style: chr4-113333106-G-C. GRCh37 (hg19) VCF-style: chr4-114254262-G-C.
Other names: c.3250G>C, p.Glu1084Gln (NM_001127493.3); c.3289G>C, p.Glu1097Gln (NM_001354225.2); c.3178G>C, p.Glu1060Gln (NM_001354228.2, NM_001354258.2); c.3256G>C, p.Glu1086Gln (NM_001354230.2); c.3319G>C, p.Glu1107Gln (NM_001354231.2, NM_001354242.2); c.3313G>C, p.Glu1105Gln (NM_001354232.2); c.3274G>C, p.Glu1092Gln (NM_001354235.2, NM_001354265.2, NM_001354246.2); c.3211G>C, p.Glu1071Gln (NM_001354256.2, NM_001386161.1, NM_001354244.2); and 28 more; short protein forms E1006Q, E1018Q, E1022Q, E1026Q, E1027Q, E1031Q, E1039Q, E1041Q.
Identifiers: ClinVar variation 4886688 (VCV004886688.2).
Genomic context (GRCh38, chr4:113,333,106, plus strand): 5'-TATGTCAGGCCTGTGATCGTGGAGATCCCTCACTTTGCGGCCCTTCGAGGAAAGGAAAGG[G>C]AACTGGTGGTCCTGCGCAGTGAGAATGGGGACAGCTGGAAAGAGCATTTCTGTGACTACA-3'
Protein context (NP_001139.3, residues 1083-1103): HFAALRGKER[Glu1093Gln]LVVLRSENGD

ClinVar aggregate classification (germline): Uncertain significance (1 of 4 stars; one submission).

gnomAD v4.1: 1 of 1,614,112 alleles (0.000062%); highest among the groups gnomAD compares: African/African-American, 0.0013%; no homozygotes.

Submission:

Dasa
Classification: Uncertain significance. Last evaluated: 2025-09-29. Review status: criteria provided, single submitter. Criteria: DASA Assertion Criteria. Collection method: clinical testing. Allele origin: germline.
Comment: NM_001148.6(ANK2):c.3277G>C (p.Glu1093Gln) is a missense variant that results in the substitution of glutamic acid with glutamine. This variant is rare in population databases. The currently available literature and clinical evidence are not sufficient to establish a definitive association between this variant and the reported condition. Therefore, this variant is classified as a variant of uncertain significance.